The following is an entry in ClinVar:

ClinVar aggregate classification (germline): Likely pathogenic (1 of 4 stars; one submission).

Conditions:
Congenital hyperammonemia, type I. Also called: Carbamoyl phosphate synthetase I deficiency disease; CPS I DEFICIENCY; Carbamoyl phosphate synthetase 1 deficiency; Hyperammonemia due to carbamoyl phosphate synthetase 1 deficiency; CPS 1 deficiency; Carbamyl phosphate synthetase (CPS) deficiency. Identifiers: Orphanet 147, MedGen C4082171, MONDO:0009376, OMIM 237300.

Submission:

Natera, Inc.
Classification: Likely pathogenic for Carbamoyl-phosphate synthase I deficiency. Last evaluated: 2025-11-03. Review status: criteria provided, single submitter. Criteria: Natera Variant Classification Schema (03/2026). Collection method: clinical testing. Allele origin: germline.
Comment: The c.1331C>G variant in CPS1 is a nonsense variant predicted to introduce a stop codon at amino acid 444. This variant is expected to result in nonsense mediated decay, truncation, or a dysfunctional protein product. This variant is rare in the general population with a frequency below the threshold expected for the associated phenotype(s). Given the available evidence, this variant is classified as Likely Pathogenic.

NM_001875.5(CPS1):c.1331C>G (p.Ser444Ter)

Gene: CPS1 (carbamoyl-phosphate synthase 1; plus strand). Cytogenetic location: 2q34.
Variant type: single nucleotide variant.
Coding change: c.1331C>G on transcript NM_001875.5 (MANE Select); coding-DNA position 1331, C replaced by G.
Protein change: p.Ser444Ter; replaces serine 444 with a stop codon.
Molecular consequence: nonsense. On other transcripts: non-coding transcript variant (2).
Genome position (GRCh38, 1-based): chr2:210,595,554, C>G. VCF-style: chr2-210595554-C-G. GRCh37 (hg19) VCF-style: chr2-211460278-C-G.
Other names: c.1331C>G, p.Ser444Ter (NM_001122633.3, NM_001369257.1); c.1364C>G, p.Ser455Ter (NM_001369256.1); short protein forms S444*, S455*.
Identifiers: ClinVar variation 4814941 (VCV004814941.1).